The following continues an entry in ClinVar:

NM_000492.4(CFTR):c.3067_3072del (p.Ile1023_Val1024del)

ClinVar aggregate classification (germline): Pathogenic. Pathogenic (1).

Submissions 13 to 20 of 20:

Myriad Genetics, Inc.
Classification: Pathogenic for Cystic fibrosis. Last evaluated: 2019-12-04. Review status: criteria provided, single submitter. Criteria: Myriad Women's Health Autosomal Recessive and X-Linked Classification Criteria (2019). Collection method: clinical testing. Allele origin: unknown. Not counted in ClinVar's aggregate classification.
Comment: NM_000492.3(CFTR):c.3067_3072del6(aka 3199del6) is classified as pathogenic in the context of cystic fibrosis. Sources cited for classification include the following: PMID 15371908, 10798368, 12172395, 15371907, 11668613, 8707304, 15371903, 15017334, 15638824, 7516234, 22020151, 18456578, 12394343 and 21679131. Classification of NM_000492.3(CFTR):c.3067_3072del6(aka 3199del6) is based on the following criteria: This is a well-established pathogenic variant in the literature that has been observed more frequently in patients with clinical diagnoses than in healthy populations. Please note: this variant was assessed in the context of healthy population screening.

Mendelics
Classification: Likely pathogenic for Cystic fibrosis. Last evaluated: 2018-11-05. Review status: criteria provided, single submitter. Criteria: Mendelics Assertion Criteria 2017. Collection method: clinical testing. Allele origin: unknown. Affected: yes. Not counted in ClinVar's aggregate classification.

CFTR-France
Classification: Pathogenic for cystic fibrosis. Last evaluated: 2018-01-29. Review status: criteria provided, single submitter. Criteria: Claustres M et al. (Hum Mutat 2017). Collection method: curation. Allele origin: germline. Affected: yes. Not counted in ClinVar's aggregate classification.

ARUP Laboratories, Molecular Genetics and Genomics, ARUP Laboratories
Classification: Pathogenic. Last evaluated: 2017-05-18. Review status: criteria provided, single submitter. Criteria: ARUP Molecular Germline Variant Investigation Process. Collection method: clinical testing. Allele origin: germline. Not counted in ClinVar's aggregate classification.

Women's Health and Genetics/Laboratory Corporation of America, LabCorp
Classification: Pathogenic for Cystic fibrosis. Last evaluated: 2016-01-18. Review status: criteria provided, single submitter. Criteria: LabCorp Variant Classification Summary - May 2015. Collection method: clinical testing. Allele origin: germline. Not counted in ClinVar's aggregate classification.
Comment: Variant summary: The c.3067_3072delATAGTG (a.k.a. 3199del6) in CFTR gene is an in-frame deletion that expected to remove Ile1023 and Val1024 from the CFTR protein. Mutation Taster predicts deleterious outcome. The variant is absent from the large and broad cohorts of the ExAC project. The variant of interest has been identified in multiple affected individuals presented with CF and was referred as causative mutation in peer-reviewed publications. At least one reputable clinical laboratory/diagnostic center classified the variant as Pathogenic. Taking together, the variant was classified as Pathogenic.

Eurofins Ntd Llc (ga)
Classification: Pathogenic. Last evaluated: 2012-08-06. Review status: criteria provided, single submitter. Criteria: EGL Classification Definitions. Collection method: clinical testing. Allele origin: germline. Observed: 1 variant allele, 1 heterozygote. Not counted in ClinVar's aggregate classification.

Baylor Genetics
Classification: Pathogenic for Congenital bilateral aplasia of vas deferens from CFTR mutation; Cystic fibrosis. Review status: criteria provided, single submitter. Criteria: ACMG Guidelines, 2015. Collection method: clinical testing. Allele origin: germline. Not counted in ClinVar's aggregate classification.

PreventionGenetics, part of Exact Sciences
Classification: Pathogenic for CFTR-related condition. Last evaluated: 2024-07-19. Review status: no assertion criteria provided. Collection method: clinical testing. Allele origin: germline. Not counted in ClinVar's aggregate classification.
Comment: The CFTR c.3067_3072del6 variant is predicted to result in an in-frame deletion (p.Ile1023_Val1024del). This variant, also referred to as 3199del6 using legacy nomenclature, has been reported to be causative for cystic fibrosis (see, for example, Buyse et al. 2004. PubMed ID: 15371908; Monaghan et al. 2004. PubMed ID: 15371907; Castellani et al. 2008. PubMed ID: 18456578; Sosnay PR et al 2013. PubMed ID: 23974870). This variant is reported in 0.017% of alleles in individuals of Latino descent in gnomAD and is interpreted as pathogenic by multiple laboratories in ClinVar. Based on the available evidence, we classify this variant as pathogenic.

Literature cited by the submitters: PubMed 12394343 (cited by 5 submitters); PubMed 15775760 (cited by 3 submitters); PubMed 27738188 (cited by 3 submitters); PubMed 38956483 (cited by Natera, Inc.); PubMed 27214204 (cited by Natera, Inc.); PubMed 21909392 (cited by Natera, Inc.); PubMed 7516234 (cited by 4 submitters); PubMed 15287992 (cited by 3 submitters); PubMed 22020151 (cited by 3 submitters); PubMed 22627569 (cited by 3 submitters); PubMed 24586523 (cited by Quest Diagnostics Nichols Institute San Juan Capistrano); PubMed 15017334 (cited by Quest Diagnostics Nichols Institute San Juan Capistrano and Myriad Genetics, Inc.); PubMed 22975760 (cited by Quest Diagnostics Nichols Institute San Juan Capistrano); PubMed 15371908 (cited by 3 submitters); PubMed 29271547 (cited by Quest Diagnostics Nichols Institute San Juan Capistrano); PubMed 8707304 (cited by Quest Diagnostics Nichols Institute San Juan Capistrano and Myriad Genetics, Inc.); PubMed 26708955 (cited by Quest Diagnostics Nichols Institute San Juan Capistrano and Women's Health and Genetics/Laboratory Corporation of America, LabCorp); PubMed 21679131 (cited by Quest Diagnostics Nichols Institute San Juan Capistrano and Myriad Genetics, Inc.); PubMed 34996830 (cited by Quest Diagnostics Nichols Institute San Juan Capistrano); PubMed 34782259 (cited by Quest Diagnostics Nichols Institute San Juan Capistrano); PubMed 31589614 (cited by Quest Diagnostics Nichols Institute San Juan Capistrano); PubMed 31036917 (cited by Quest Diagnostics Nichols Institute San Juan Capistrano); PubMed 29261177 (cited by Quest Diagnostics Nichols Institute San Juan Capistrano); PubMed 33920764 (cited by Quest Diagnostics Nichols Institute San Juan Capistrano); PubMed 35698092 (cited by Quest Diagnostics Nichols Institute San Juan Capistrano); PubMed 33613790 (cited by Quest Diagnostics Nichols Institute San Juan Capistrano); PubMed 15698946 (cited by Ambry Genetics); PubMed 10798368 (cited by Myriad Genetics, Inc.); PubMed 12172395 (cited by Myriad Genetics, Inc.); PubMed 15371907 (cited by Myriad Genetics, Inc. and Women's Health and Genetics/Laboratory Corporation of America, LabCorp); PubMed 11668613 (cited by Myriad Genetics, Inc.); PubMed 15371903 (cited by Myriad Genetics, Inc. and Women's Health and Genetics/Laboratory Corporation of America, LabCorp); PubMed 15638824 (cited by Myriad Genetics, Inc.); PubMed 18456578 (cited by Myriad Genetics, Inc.); PubMed 26146130 (cited by Women's Health and Genetics/Laboratory Corporation of America, LabCorp); PubMed 15371902 (cited by Women's Health and Genetics/Laboratory Corporation of America, LabCorp).